The following is an entry in ClinVar:

ClinVar aggregate classification (germline): Conflicting classifications of pathogenicity. Review status: criteria provided, conflicting classifications (1 of 4 stars). 6 submissions from 6 submitters: Uncertain significance (3); Likely benign (3). Last evaluated 2025-06-30.

Conditions:
Hereditary cancer-predisposing syndrome. Also called: Neoplastic Syndromes, Hereditary; Tumor predisposition; Hereditary Cancer Syndrome; Hereditary neoplastic syndrome. Identifiers: Orphanet 140162, MedGen C0027672, MeSH D009386, MONDO:0015356.
Holoprosencephaly 7 (HPE7). Identifiers: Orphanet 2162, MedGen C1835820, MONDO:0012562, OMIM 610828.
Basal cell carcinoma, susceptibility to, 1. Also called: BCC1. Identifiers: MedGen C2751544, MONDO:0011556, OMIM 605462.
Gorlin syndrome. Also called: Nevoid Basal Cell Carcinoma Syndrome; Basal cell nevus syndrome. Identifiers: Orphanet 377, MedGen C0004779, MONDO:0007187.

Allele frequency attached by ClinVar (database versions not stated): ExAC 0.00002; gnomAD exomes 0.00002.
gnomAD v4.1: 27 of 1,611,076 alleles (0.0017%); highest among the groups gnomAD compares: East Asian, 0.0089%; no homozygotes.

Submissions (6):

Labcorp Genetics (formerly Invitae), Labcorp
Classification: Likely benign for Gorlin syndrome. Last evaluated: 2025-06-30. Review status: criteria provided, single submitter. Criteria: Invitae Variant Classification Sherloc (09022015). Collection method: clinical testing. Allele origin: germline.

Women's Health and Genetics/Laboratory Corporation of America, LabCorp
Classification: Likely benign. Last evaluated: 2024-11-14. Review status: criteria provided, single submitter. Criteria: LabCorp Variant Classification Summary - May 2015. Collection method: clinical testing. Allele origin: germline.
Comment: Variant summary: PTCH1 c.901G>A (p.Asp301Asn) results in a conservative amino acid change in the encoded protein sequence. Four of five in-silico tools predict a damaging effect of the variant on protein function. The variant allele was found at a frequency of 1.7e-05 in 1611076 control chromosomes. This frequency is approaching the threshold estimated for a pathogenic variant in PTCH1 causing Nevoid Basal Cell Carcinoma Syndrome (Gorlin Syndrome) (1.7e-05 vs 1.7e-05), suggesting the variant may be benign. c.901G>A has been reported in the literature in at least one individual affected with neuroblastoma without evidence of causality, and in an individual with family history of breast and/or ovarian cancer (e.g. Zhang_2015, Barati_2024). These reports do not provide unequivocal conclusions about association of the variant with Nevoid Basal Cell Carcinoma Syndrome (Gorlin Syndrome). To our knowledge, no experimental evidence demonstrating an impact on protein function has been reported. The following publications have been ascertained in the context of this evaluation (PMID: 39148954, 26580448). ClinVar contains an entry for this variant (Variation ID: 524544). Based on the evidence outlined above, the variant was classified as likely benign.

GeneDx
Classification: Uncertain significance. Last evaluated: 2023-04-28. Review status: criteria provided, single submitter. Criteria: GeneDx Variant Classification Process June 2021. Collection method: clinical testing. Allele origin: germline. Affected: yes.
Comment: In silico analysis supports that this missense variant has a deleterious effect on protein structure/function; Has not been previously published as pathogenic or benign to our knowledge; This variant is associated with the following publications: (PMID: 8906794, 34638259)

Ambry Genetics
Classification: Likely benign for Hereditary cancer-predisposing syndrome. Last evaluated: 2022-08-05. Review status: criteria provided, single submitter. Criteria: Ambry Variant Classification Scheme 2023. Collection method: clinical testing. Allele origin: germline.

Sema4
Classification: Uncertain significance for Hereditary cancer-predisposing syndrome. Last evaluated: 2021-08-12. Review status: criteria provided, single submitter. Criteria: Sema4 Curation Guidelines. Collection method: curation. Allele origin: germline.
Comment: The PTCH1 c.901G>A (p.D301N) variant has not been reported in the literature to our knowledge. It was observed in 2/18394 chromosomes of the East Asian subpopulation in the large and broad cohorts of the Genome Aggregation Database (PMID: 32461654). The variant has been reported in ClinVar (Variation ID: 524544). Functional studies have not been performed, and in silico predictions of the variant's effect on protein function are inconclusive. The evidence is insufficient to meet ACMG/AMP criteria for classifying the variant as benign or pathogenic. Thus, the clinical significance of this variant is currently uncertain.

Fulgent Genetics
Classification: Uncertain significance for Basal cell nevus syndrome 1; Basal cell carcinoma, susceptibility to, 1; Holoprosencephaly 7. Last evaluated: 2018-10-31. Review status: criteria provided, single submitter. Criteria: ACMG Guidelines, 2015. Collection method: clinical testing. Allele origin: unknown.

Literature cited by the submitters: PubMed 26580448 (cited by Women's Health and Genetics/Laboratory Corporation of America, LabCorp); PubMed 39148954 (cited by Women's Health and Genetics/Laboratory Corporation of America, LabCorp).

NM_000264.5(PTCH1):c.901G>A (p.Asp301Asn)

Gene: PTCH1 (patched 1; minus strand). Cytogenetic location: 9q22.32.
Variant type: single nucleotide variant.
Coding change: c.901G>A on transcript NM_000264.5 (MANE Select); coding-DNA position 901, G replaced by A.
Protein change: p.Asp301Asn; replaces aspartic acid 301 with asparagine.
Molecular consequence: missense variant. On other transcripts: non-coding transcript variant (1).
Genome position (GRCh38, 1-based): chr9:95,480,434, C>T on the plus strand (G>A on the coding strand, the complement: PTCH1 is on the minus strand). VCF-style: chr9-95480434-C-T. GRCh37 (hg19) VCF-style: chr9-98242716-C-T.
Other names: c.703G>A, p.Asp235Asn (NM_001083602.3); c.898G>A, p.Asp300Asn (NM_001083603.3); c.448G>A, p.Asp150Asn (NM_001083604.3, NM_001083605.3, NM_001083606.3 and 1 more transcripts); c.901G>A, p.Asp301Asn (NM_001354918.2); short protein forms D235N, D301N, D150N, D300N.
Identifiers: ClinVar variation 524544 (VCV000524544.18), dbSNP rs767601899, ClinGen allele CA5138823.
Genomic context (GRCh38, chr9:95,480,434, plus strand): 5'-CACTGCTGGTACTCACTTTGGTTGAATTTTTGTTGGGGGCTGTGGCGGGGCAGTCTGGAT[C>T]GGCCGGATTGAGGCAGGGGCGGTCCATGTAACCATGACCAACCTCAGCCTTATTCAGCAT-3'
Protein context (NP_000255.2, residues 291-311): YMDRPCLNPA[Asp301Asn]PDCPATAPNK